The following is an entry in ClinVar:

ClinVar aggregate classification (germline): Uncertain significance (1 of 4 stars; one submission).

Conditions:
Juvenile polyposis syndrome (JPS). Identifiers: Orphanet 2929, MedGen C0345893, MONDO:0017380, OMIM 174900.

Submission:

Labcorp Genetics (formerly Invitae), Labcorp
Classification: Uncertain significance for Juvenile polyposis syndrome. Last evaluated: 2017-08-24. Review status: criteria provided, single submitter. Criteria: Invitae Variant Classification Sherloc (09022015). Collection method: clinical testing. Allele origin: germline.
Comment: In summary, the available evidence is currently insufficient to determine the role of this variant in disease. Therefore, it has been classified as a Variant of Uncertain Significance. This variant has not been reported in the literature in individuals with BMPR1A-related disease. Experimental studies and prediction algorithms are not available for this variant, and the functional significance of the inserted nucleotides in this intron is currently unknown. This variant is not present in population databases (ExAC no frequency). This sequence change is an unknown transposable element insertion in intron 4 of the BMPR1A gene (c.230+11_230+12ins(?)). The exact size and sequence of the insertion cannot be determined by the current assay. It is not expected to directly change the encoded amino acid sequence of the BMPR1A protein.

NM_004329.3(BMPR1A):c.226_227insTTTTTTTTTTTTTTTTTTTTTTTTTTTTTTTTTNNNNNNNNNNNNNNNNNNNNNNNNNNNNNGCCGGCGGCTGCTCCTTGCCCTCGGGCCCCGCGGGGCCCGTCCGCTCCTCCAGCCGCTGCCTCCCGGGCGGCGCTCGCCGGCGCGGCGGCAAAGACTGCATGTAAGTAT (p.Cys76delinsPhePhePhePhePhePhePhePhePhePhePheXaaXaaXaaXaaXaaXaaXaaXaaXaaXaaAlaGlyGlyCysSerLeuProSerGlyProAlaGlyProValArgSerSerSerArgCysLeuProGlyGlyAlaArgArgArgGlyGlyLysAspCysMetTer)

Gene: BMPR1A (bone morphogenetic protein receptor type 1A; plus strand). Cytogenetic location: 10q23.2.
Variant type: Insertion.
Coding change: c.226_227insTTTTTTTTTTTTTTTTTTTTTTTTTTTTTTTTTNNNNNNNNNNNNNNNNNNNNNNNNNNNNNGCCGGCGGCTGCTCCTTGCCCTCGGGCCCCGCGGGGCCCGTCCGCTCCTCCAGCCGCTGCCTCCCGGGCGGCGCTCGCCGGCGCGGCGGCAAAGACTGCATGTAAGTAT on transcript NM_004329.3 (MANE Select); coding-DNA positions 226 to 227, TTTTTTTTTTTTTTTTTTTTTTTTTTTTTTTTTNNNNNNNNNNNNNNNNNNNNNNNNNNNNNGCCGGCGGCTGCTCCTTGCCCTCGGGCCCCGCGGGGCCCGTCCGCTCCTCCAGCCGCTGCCTCCCGGGCGGCGCTCGCCGGCGCGGCGGCAAAGACTGCATGTAAGTAT inserted.
Protein change: p.Cys76delinsPhePhePhePhePhePhePhePhePhePhePheXaaXaaXaaXaaXaaXaaXaaXaaXaaXaaAlaGlyGlyCysSerLeuProSerGlyProAlaGlyProValArgSerSerSerArgCysLeuProGlyGlyAlaArgArgArgGlyGlyLysAspCysMetTer.
Molecular consequence: nonsense.
Genome position: GRCh38: chr10:86,890,220-86,890,221. GRCh37 (hg19): chr10:88,649,977-88,649,978.
Identifiers: ClinVar variation 1025614 (VCV001025614.7), dbSNP rs1843128582.